The following is an entry in ClinVar:

ClinVar aggregate classification (germline): Uncertain significance. Review status: criteria provided, multiple submitters, no conflicts (2 of 4 stars). 2 submissions from 2 submitters: Uncertain significance (2). Last evaluated 2025-04-18.

Conditions:
Inborn genetic diseases. Identifiers: MedGen C0950123, MeSH D030342.

gnomAD v4.1: 12 of 1,614,084 alleles (0.00074%); highest among the groups gnomAD compares: African/African-American, 0.0013%; no homozygotes.

Submissions (2):

Ambry Genetics
Classification: Uncertain significance for Inborn genetic diseases. Last evaluated: 2025-04-18. Review status: criteria provided, single submitter. Criteria: Ambry Variant Classification Scheme 2023. Collection method: clinical testing. Allele origin: germline.

Labcorp Genetics (formerly Invitae), Labcorp
Classification: Uncertain significance. Last evaluated: 2022-10-24. Review status: criteria provided, single submitter. Criteria: Invitae Variant Classification Sherloc (09022015). Collection method: clinical testing. Allele origin: germline.
Comment: This sequence change replaces valine, which is neutral and non-polar, with isoleucine, which is neutral and non-polar, at codon 523 of the PTPN23 protein (p.Val523Ile). This variant is present in population databases (rs770931066, gnomAD 0.007%). This variant has not been reported in the literature in individuals affected with PTPN23-related conditions. Algorithms developed to predict the effect of missense changes on protein structure and function output the following: SIFT: "Tolerated"; PolyPhen-2: "Not Available"; Align-GVGD: "Class C0". The isoleucine amino acid residue is found in multiple mammalian species, which suggests that this missense change does not adversely affect protein function. In summary, the available evidence is currently insufficient to determine the role of this variant in disease. Therefore, it has been classified as a Variant of Uncertain Significance.

NM_015466.4(PTPN23):c.1567G>A (p.Val523Ile)

Gene: PTPN23 (protein tyrosine phosphatase non-receptor type 23; plus strand). Cytogenetic location: 3p21.31.
Variant type: single nucleotide variant.
Coding change: c.1567G>A on transcript NM_015466.4 (MANE Select); coding-DNA position 1567, G replaced by A.
Protein change: p.Val523Ile; replaces valine 523 with isoleucine.
Molecular consequence: missense variant.
Genome position (GRCh38, 1-based): chr3:47,409,012, G>A. VCF-style: chr3-47409012-G-A. GRCh37 (hg19) VCF-style: chr3-47450502-G-A.
Other names: c.1189G>A, p.Val397Ile (NM_001304482.2); c.1567G>A (NM_015466.2); short protein forms V397I, V523I.
Identifiers: ClinVar variation 1919206 (VCV001919206.3), dbSNP rs770931066, ClinGen allele CA73876631.
Genomic context (GRCh38, chr3:47,409,012, plus strand): 5'-GAAGTCCATGAGAAGGCCTCCTTCACCAACAGTGAGCTGCACCGTGCCATGAACCTGCAC[G>A]TCGGCAACCTGCGCCTGCTCAGCGGGCCGCTTGACCAGGTCCGGGCTGCCCTGCCCACAC-3'
Protein context (NP_056281.1, residues 513-533): SELHRAMNLH[Val523Ile]GNLRLLSGPL